The following is an entry in ClinVar:

NM_000352.6(ABCC8):c.647G>A (p.Arg216His)

Gene: ABCC8 (ATP binding cassette subfamily C member 8; minus strand). Cytogenetic location: 11p15.1.
Variant type: single nucleotide variant.
Coding change: c.647G>A on transcript NM_000352.6 (MANE Select); coding-DNA position 647, G replaced by A.
Protein change: p.Arg216His; replaces arginine 216 with histidine.
Molecular consequence: missense variant. On other transcripts: non-coding transcript variant (1).
Genome position (GRCh38, 1-based): chr11:17,461,758, C>T on the plus strand (G>A on the coding strand, the complement: ABCC8 is on the minus strand). VCF-style: chr11-17461758-C-T. GRCh37 (hg19) VCF-style: chr11-17483305-C-T.
Other names: c.647G>A (NM_000352.4, NM_000352.5); c.647G>A, p.Arg216His (NM_001287174.3, NM_001351295.2, NM_001351296.2 and 1 more transcripts); short protein forms R216H.
Identifiers: ClinVar variation 585350 (VCV000585350.8), dbSNP rs199702708, ClinGen allele CA5903805.

ClinVar aggregate classification (germline): Uncertain significance. Review status: criteria provided, multiple submitters, no conflicts (2 of 4 stars). 6 submissions from 6 submitters: Uncertain significance (5). 1 of the submissions does not count toward it. Last evaluated 2025-11-16.

Conditions:
Hereditary hyperinsulinism.
ABCC8-related disorder.
Diabetes mellitus, permanent neonatal 3. Also called: ABCC8-Related Permanent Neonatal Diabetes Mellitus. Identifiers: MedGen C5394303, MONDO:0030088, OMIM 618857.
Type 2 diabetes mellitus. Also called: Type II diabetes mellitus. Identifiers: MedGen C0011860, MeSH D003924, MONDO:0005148, OMIM 125853, HP:0005978.
Leucine-induced hypoglycemia (LIH). Also called: LEUCINE-SENSITIVE HYPOGLYCEMIA OF INFANCY. Identifiers: MedGen C0271714, MONDO:0009415, OMIM 240800.
Hyperinsulinemic hypoglycemia, familial, 1 (HHF1). Also called: Persistent Hyperinsulinemia Hypoglycemia of Infancy; Persistent hyperinsulinemic hypoglycemia of infancy; HYPERINSULINISM, FAMILIAL, WITH PANCREATIC NESIDIOBLASTOSIS; HYPOGLYCEMIA, HYPERINSULINEMIC, OF INFANCY; NESIDIOBLASTOSIS OF PANCREAS. Identifiers: Orphanet 276575, Orphanet 276598, MedGen C2931832, MONDO:0009734, OMIM 256450.
Diabetes mellitus, transient neonatal, 2 (TNDM2). Identifiers: Orphanet 99886, MedGen C1835887, MONDO:0012480, OMIM 610374. Disease mechanism: loss of function.

Allele frequency attached by ClinVar (database versions not stated): ExAC 0.00002; gnomAD exomes 0.00004 and 0.00008; gnomAD 0.00006; TOPMed 0.00006; ESP Exome Variant Server 0.00015.
gnomAD v4.1: 128 of 1,614,052 alleles (0.0079%); highest among the groups gnomAD compares: Non-Finnish European, 0.01%; no homozygotes.

Submissions (6):

PreventionGenetics, part of Exact Sciences
Classification: Uncertain significance for ABCC8-related condition. Last evaluated: 2025-11-16. Review status: criteria provided, single submitter. Criteria: ACMG Guidelines, 2015. Collection method: clinical testing. Allele origin: germline.
Comment: The ABCC8 c.647G>A variant is predicted to result in the amino acid substitution p.Arg216His. This variant has been reported in an individual with pulmonary arterial hypertension (Zhu et al. 2019. PubMed ID: 31727138). It has also been observed in an individual with obesity and hyperinsulinism who carried a likely pathogenic variant in MRAP2 (Baron et al. 2019. PubMed ID: 31700171). This variant is reported in 0.0077% of alleles in individuals of European (non-Finnish) descent in gnomAD. An alternate missense change affecting the same amino acid (p.Arg216Cys) has been reported in newborns with transient neonatal diabetes mellitus (Hashimoto et al. 2017. PubMed ID: 27681997; homozygous in patient 6, Nayak et al. 2021. PubMed ID: 33409956). At this time, the clinical significance of the c.647G>A (p.Arg216His) variant is uncertain due to the absence of conclusive functional and genetic evidence.

Women's Health and Genetics/Laboratory Corporation of America, LabCorp
Classification: Uncertain significance. Last evaluated: 2024-07-22. Review status: criteria provided, single submitter. Criteria: LabCorp Variant Classification Summary - May 2015. Collection method: clinical testing. Allele origin: germline.
Comment: Variant summary: ABCC8 c.647G>A (p.Arg216His) results in a non-conservative amino acid change in the encoded protein sequence. Three of five in-silico tools predict a damaging effect of the variant on protein function. The variant allele was found at a frequency of 4e-05 in 251482 control chromosomes. This frequency is not significantly higher than estimated for a pathogenic variant in ABCC8 causing Familial Hyperinsulinism (4e-05 vs 0.0034), allowing no conclusion about variant significance. c.647G>A has been reported in the literature in one individual affected with Hyperinsulinism, co-occurring with a missense change in MRAP2 (Baron_NM_2019), and in another individual with pulmonary arterial hypertension (Zhu_2019). These data do not allow any conclusion about variant significance. To our knowledge, no experimental evidence demonstrating an impact on protein function has been reported. The following publications have been ascertained in the context of this evaluation (PMID: 31700171, 31727138). ClinVar contains an entry for this variant (Variation ID: 585350). Based on the evidence outlined above, the variant was classified as uncertain significance.

Fulgent Genetics
Classification: Uncertain significance for Type 2 diabetes mellitus; Leucine-induced hypoglycemia; Hyperinsulinemic hypoglycemia, familial, 1; Diabetes mellitus, transient neonatal, 2; Diabetes mellitus, permanent neonatal 3. Last evaluated: 2024-04-26. Review status: criteria provided, single submitter. Criteria: ACMG Guidelines, 2015. Collection method: clinical testing. Allele origin: germline.

New York Genome Center
Classification: Uncertain significance for Hyperinsulinemic hypoglycemia, familial, 1; Type 2 diabetes mellitus. Last evaluated: 2022-10-26. Review status: criteria provided, single submitter. Criteria: NYGC Assertion Criteria 2020. Collection method: clinical testing. Allele origin: germline. Observed: 1 heterozygote.
Comment: The c.647G>A variant in ABCC8 has previously been reported in an individual with hyperphagic obesity with hyperglycemia and hypertension along with a likely pathogenic variant in the MRAP2 gene [PMID:31700171] and it has been deposited in ClinVar [ClinVar ID: 585350] as Variant of Uncertain Significance. The c.647G>A variant is observed in 33 alleles (~0.006% minor allele frequency with 0 homozygotes) in population databases (gnomAD v2.1.1 and v3.1.2, TOPMed Freeze 8, All ofUs), suggesting it is not a common benign variant in the populations represented in those databases. The c.647G>A variant is located in exon 5 of this 39-exon gene and is predicted to replace an arginine amino acid with histidine at position 216 (p.(Arg216His)). In silico predictions for p.(Arg216His) are inconclusive of the variant’s effect [(CADD v1.6 = 24.8, REVEL = 0.599)]; however, there are no functional studies to support or refute these predictions. Based on available evidence this c.647G>A p.(Arg216His) variant identified in ABCC8 is classified as a Variant of Uncertain Significance.

Athena Diagnostics
Classification: Uncertain significance. Last evaluated: 2017-12-07. Review status: criteria provided, single submitter. Criteria: Athena Diagnostics Criteria. Collection method: clinical testing. Allele origin: germline.

Natera, Inc.
Classification: Uncertain significance for Hereditary hyperinsulinism. Last evaluated: 2019-10-28. Review status: no assertion criteria provided. Collection method: clinical testing. Allele origin: germline. Not counted in ClinVar's aggregate classification.

Literature cited by the submitters: PubMed 31727138 (cited by Women's Health and Genetics/Laboratory Corporation of America, LabCorp); PubMed 31700171 (cited by Women's Health and Genetics/Laboratory Corporation of America, LabCorp).